The following is an entry in ClinVar:

NM_139321.3(ATRN):c.3473C>A (p.Thr1158Asn)

Gene: ATRN (attractin; plus strand). Cytogenetic location: 20p13.
Variant type: single nucleotide variant.
Coding change: c.3473C>A on transcript NM_139321.3 (MANE Select); coding-DNA position 3473, C replaced by A.
Protein change: p.Thr1158Asn; replaces threonine 1158 with asparagine.
Molecular consequence: missense variant.
Genome position (GRCh38, 1-based): chr20:3,597,909, C>A. VCF-style: chr20-3597909-C-A. GRCh37 (hg19) VCF-style: chr20-3578556-C-A.
Other names: c.3125C>A, p.Thr1042Asn (NM_001207047.3); c.3473C>A, p.Thr1158Asn (NM_001323332.2, NM_139322.4); short protein forms T1042N, T1158N.
Identifiers: ClinVar variation 1460776 (VCV001460776.6), dbSNP rs760113421, ClinGen allele CA408101374.

ClinVar aggregate classification (germline): Uncertain significance (1 of 4 stars; one submission).

Submission:

Labcorp Genetics (formerly Invitae), Labcorp
Classification: Uncertain significance. Last evaluated: 2022-10-13. Review status: criteria provided, single submitter. Criteria: Invitae Variant Classification Sherloc (09022015). Collection method: clinical testing. Allele origin: germline.
Comment: This sequence change replaces threonine, which is neutral and polar, with asparagine, which is neutral and polar, at codon 1158 of the ATRN protein (p.Thr1158Asn). This variant is not present in population databases (gnomAD no frequency). This variant has not been reported in the literature in individuals affected with ATRN-related conditions. ClinVar contains an entry for this variant (Variation ID: 1460776). Algorithms developed to predict the effect of missense changes on protein structure and function are either unavailable or do not agree on the potential impact of this missense change (SIFT: "Deleterious"; PolyPhen-2: "Benign"; Align-GVGD: "Class C0"). In summary, the available evidence is currently insufficient to determine the role of this variant in disease. Therefore, it has been classified as a Variant of Uncertain Significance.